The following is an entry in ClinVar:

ClinVar aggregate classification (germline): Likely benign. Review status: criteria provided, single submitter (1 of 4 stars). 2 submissions from 2 submitters: Likely benign (1). 1 of the submissions does not count toward it. Last evaluated 2023-12-07.

Conditions:
AP3D1-related disorder. Also called: AP3D1-related condition.

Allele frequency attached by ClinVar (database versions not stated): ExAC 0.00002.
gnomAD v4.1: 20 of 1,613,824 alleles (0.0012%); highest among the groups gnomAD compares: African/African-American, 0.025%; no homozygotes.

Submissions (2):

Labcorp Genetics (formerly Invitae), Labcorp
Classification: Likely benign. Last evaluated: 2023-12-07. Review status: criteria provided, single submitter. Criteria: Invitae Variant Classification Sherloc (09022015). Collection method: clinical testing. Allele origin: germline.

PreventionGenetics, part of Exact Sciences
Classification: Likely benign for AP3D1-related condition. Last evaluated: 2019-10-28. Review status: no assertion criteria provided. Collection method: clinical testing. Allele origin: germline. Not counted in ClinVar's aggregate classification.
Comment: This variant is classified as likely benign based on ACMG/AMP sequence variant interpretation guidelines (Richards et al. 2015 PMID: 25741868, with internal and published modifications).

NM_001261826.3(AP3D1):c.907-4T>A

Gene: AP3D1 (adaptor related protein complex 3 subunit delta 1; minus strand). Cytogenetic location: 19p13.3.
Variant type: single nucleotide variant.
Coding change: c.907-4T>A on transcript NM_001261826.3 (MANE Select); 4 bases into the intron before coding-DNA position 907, T replaced by A.
Molecular consequence: intron variant.
Genome position (GRCh38, 1-based): chr19:2,123,410, A>T on the plus strand (T>A on the coding strand, the complement: AP3D1 is on the minus strand). VCF-style: chr19-2123410-A-T. GRCh37 (hg19) VCF-style: chr19-2123409-A-T.
Other names: c.907-4T>A (NM_003938.8, NM_001374799.1, NM_001261826.1).
Identifiers: ClinVar variation 2896839 (VCV002896839.4), dbSNP rs752522175, ClinGen allele CA9059483.
Genomic context (GRCh38, chr19:2,123,410, plus strand): 5'-TGACTCACAGTTCTGATCGGAGTCCTCGATCAATATCCTTAATTTCTGAACACAAAGCTG[A>T]AAAGAAGAAAAAAACGATGCTGGTTACATCCTCTAAACCAAGGGTGAGTCCCACAGGTAC-3'